The following is an entry in ClinVar:

NM_006785.4(MALT1):c.2408T>C (p.Val803Ala)

Gene: MALT1 (MALT1 paracaspase; plus strand). Cytogenetic location: 18q21.32.
Variant type: single nucleotide variant.
Coding change: c.2408T>C on transcript NM_006785.4 (MANE Select); coding-DNA position 2408, T replaced by C.
Protein change: p.Val803Ala; replaces valine 803 with alanine.
Molecular consequence: missense variant.
Genome position (GRCh38, 1-based): chr18:58,747,775, T>C. VCF-style: chr18-58747775-T-C. GRCh37 (hg19) VCF-style: chr18-56415007-T-C.
Other names: c.2375T>C, p.Val792Ala (NM_173844.3); c.2408T>C (NM_006785.3, NM_006785.2); short protein forms V792A, V803A.
Identifiers: ClinVar variation 1388669 (VCV001388669.4), dbSNP rs747603313, ClinGen allele CA8978106.

ClinVar aggregate classification (germline): Uncertain significance. Review status: criteria provided, multiple submitters, no conflicts (2 of 4 stars). 3 submissions from 3 submitters: Uncertain significance (3). Last evaluated 2025-02-19.

Conditions:
MALT1-related disorder. Also called: MALT1-related condition.
Combined immunodeficiency due to MALT1 deficiency. Also called: Immunodeficiency 12. Identifiers: Orphanet 397964, MedGen C3809583, MONDO:0014197, OMIM 615468.
Inborn genetic diseases. Identifiers: MedGen C0950123, MeSH D030342.

Allele frequency attached by ClinVar (database versions not stated): gnomAD 0.00001 and 0.00002; ExAC 0.00002; TOPMed 0.00003; gnomAD exomes 0.00004 and 0.00005.
gnomAD v4.1: 71 of 1,614,086 alleles (0.0044%); highest among the groups gnomAD compares: Middle Eastern, 0.016%; no homozygotes.

Submissions (3):

Ambry Genetics
Classification: Uncertain significance for Inborn genetic diseases. Last evaluated: 2025-02-19. Review status: criteria provided, single submitter. Criteria: Ambry Variant Classification Scheme 2023. Collection method: clinical testing. Allele origin: germline.

PreventionGenetics, part of Exact Sciences
Classification: Uncertain significance for MALT1-related condition. Last evaluated: 2023-01-24. Review status: criteria provided, single submitter. Criteria: ACMG Guidelines, 2015. Collection method: clinical testing. Allele origin: germline.
Comment: The MALT1 c.2408T>C variant is predicted to result in the amino acid substitution p.Val803Ala. To our knowledge, this variant has not been reported in the literature. This variant is reported in 0.011% of alleles in individuals of Latino descent in gnomAD. At this time, the clinical significance of this variant is uncertain due to the absence of conclusive functional and genetic evidence.

Labcorp Genetics (formerly Invitae), Labcorp
Classification: Uncertain significance for Combined immunodeficiency due to MALT1 deficiency. Last evaluated: 2021-09-06. Review status: criteria provided, single submitter. Criteria: Invitae Variant Classification Sherloc (09022015). Collection method: clinical testing. Allele origin: germline.
Comment: This sequence change replaces valine with alanine at codon 803 of the MALT1 protein (p.Val803Ala). The valine residue is highly conserved and there is a small physicochemical difference between valine and alanine. This variant is present in population databases (rs747603313, ExAC 0.003%). This variant has not been reported in the literature in individuals affected with MALT1-related conditions. Algorithms developed to predict the effect of missense changes on protein structure and function are either unavailable or do not agree on the potential impact of this missense change (SIFT: "Deleterious"; PolyPhen-2: "Benign"; Align-GVGD: "Class C0"). In summary, the available evidence is currently insufficient to determine the role of this variant in disease. Therefore, it has been classified as a Variant of Uncertain Significance.